The following is an entry in ClinVar:

ClinVar aggregate classification (germline): Uncertain significance (1 of 4 stars; one submission).

Conditions:
Dent disease type 1 (DENT1). Also called: NEPHROLITHIASIS 2; NEPHROLITHIASIS, HYPERCALCIURIC, X-LINKED. Identifiers: Orphanet 1652, Orphanet 93622, MedGen C1848336, MONDO:0010225, OMIM 300009.

Submission:

MVZ Medizinische Genetik Mainz
Classification: Uncertain significance for Dent disease type 1. Last evaluated: 2024-08-01. Review status: criteria provided, single submitter. Criteria: UK Practice Guidelines For Variant Classification V4 01 2020. Collection method: clinical testing. Allele origin: germline. Inheritance: Unknown mechanism. Affected: yes. Observed: 1 variant allele.
Comment: ACMG Criteria: PM2_SUP,PP3,PP4

NM_001127898.4(CLCN5):c.850_851delinsAA (p.Leu284Lys)

Gene: CLCN5 (Cl-/H+ antiporter 5; plus strand). Cytogenetic location: Xp11.23.
Variant type: Indel.
Coding change: c.850_851delinsAA on transcript NM_001127898.4 (MANE Select); coding-DNA positions 850 to 851, CT replaced by AA.
Protein change: p.Leu284Lys; replaces leucine 284 with lysine.
Molecular consequence: missense variant.
Genome position (GRCh38, 1-based): chrX:50,081,764-50,081,765, CT replaced by AA. VCF-style: chrX-50081764-CT-AA. GRCh37 (hg19) VCF-style: chrX-49846421-CT-AA.
Other names: c.850_851delinsAA, p.Leu284Lys (NM_001127899.4); c.700_701delinsAA, p.Leu234Lys (NM_001282163.2); c.640_641delinsAA, p.Leu214Lys (NM_000084.5); short protein forms L214K, L234K, L284K.
Identifiers: ClinVar variation 3338407 (VCV003338407.1).